The following is an entry in ClinVar:

NM_007194.4(CHEK2):c.420_421del (p.Ser140fs)

Gene: CHEK2 (checkpoint kinase 2; minus strand). Cytogenetic location: 22q12.1.
Variant type: Deletion.
Coding change: c.420_421del on transcript NM_007194.4 (MANE Select); coding-DNA positions 420 to 421, 2 bases deleted (CA; older notation c.420_421delCA).
Protein change: p.Ser140fs; shifts the reading frame from serine 140.
Molecular consequence: frameshift variant.
Genome position (GRCh38, 1-based): chr22:28,725,266-28,725,267, TG deleted on the plus strand (CA on the coding strand, the reverse complement: CHEK2 is on the minus strand). VCF-style (leftmost placement, unchanged base first): chr22-28725265-TTG-T. GRCh37 (hg19) VCF-style: chr22-29121253-TTG-T.
Other names: c.549_550delCA, p.Ser183Argfs (NM_001005735.3); c.-358_-357delCA (NM_001257387.3); c.420_421delCA, p.Ser140Argfs (NM_001349956.3, NM_145862.3); short protein forms S140fs, S183fs.
Identifiers: ClinVar variation 2583422 (VCV002583422.2), dbSNP rs2518058552, ClinGen allele CA2582342797.
Genomic context (GRCh38, chr22:28,725,265, plus strand): 5'-TACCAGCTCTCCTAGATACATGGGTATTCATTACCTACCCTGAAAATCCGAAAGTGTTTC[TTG>T]CTGTATGTTCGGTATTTATCTGTTCTTTTCAGCAGTGGTTCATCAAAGCAATATTCACAG-3'

ClinVar aggregate classification (germline): Pathogenic (1 of 4 stars; one submission).

Conditions:
Familial cancer of breast. Also called: Hereditary breast cancer; BREAST CANCER, FAMILIAL; hereditary breast carcinoma. Identifiers: Orphanet 227535, MedGen C0346153, MONDO:0016419, OMIM 114480. Disease mechanism: loss of function.

Submission:

Myriad Genetics, Inc.
Classification: Pathogenic for Familial cancer of breast. Last evaluated: 2023-06-23. Review status: criteria provided, single submitter. Criteria: Myriad Autosomal Dominant, Autosomal Recessive and X-Linked Classification Criteria (2023). Collection method: clinical testing. Allele origin: unknown.
Comment: This variant is considered pathogenic. This variant creates a frameshift predicted to result in premature protein truncation.